The following is an entry in ClinVar:

NM_001378778.1(MPDZ):c.79G>A (p.Val27Ile)

Gene: MPDZ (multiple PDZ domain crumbs cell polarity complex component; minus strand). Cytogenetic location: 9p23.
Variant type: single nucleotide variant.
Coding change: c.79G>A on transcript NM_001378778.1 (MANE Select); coding-DNA position 79, G replaced by A.
Protein change: p.Val27Ile; replaces valine 27 with isoleucine.
Molecular consequence: missense variant.
Genome position (GRCh38, 1-based): chr9:13,247,739, C>T on the plus strand (G>A on the coding strand, the complement: MPDZ is on the minus strand). VCF-style: chr9-13247739-C-T. GRCh37 (hg19) VCF-style: chr9-13247738-C-T.
Other names: c.79G>A, p.Val27Ile (NM_001261406.2, NM_001261407.2, NM_001330637.2 and 14 more transcripts); short protein forms V27I.
Identifiers: ClinVar variation 1360387 (VCV001360387.4), dbSNP rs1160966629, ClinGen allele CA373088355.

ClinVar aggregate classification (germline): Uncertain significance (1 of 4 stars; one submission).

Allele frequency attached by ClinVar (database versions not stated): TOPMed 0.00005; gnomAD exomes 0.00001; gnomAD 0.00003.
gnomAD v4.1: 13 of 1,613,256 alleles (0.00081%); highest among the groups gnomAD compares: Admixed American, 0.017%; no homozygotes.

Submission:

Labcorp Genetics (formerly Invitae), Labcorp
Classification: Uncertain significance. Last evaluated: 2022-07-19. Review status: criteria provided, single submitter. Criteria: Invitae Variant Classification Sherloc (09022015). Collection method: clinical testing. Allele origin: germline.
Comment: In summary, the available evidence is currently insufficient to determine the role of this variant in disease. Therefore, it has been classified as a Variant of Uncertain Significance. Algorithms developed to predict the effect of missense changes on protein structure and function output the following: SIFT: "Tolerated"; PolyPhen-2: "Benign"; Align-GVGD: "Class C0". The isoleucine amino acid residue is found in multiple mammalian species, which suggests that this missense change does not adversely affect protein function. ClinVar contains an entry for this variant (Variation ID: 1360387). This missense change has been observed in individual(s) with retinitis pigmentosa (Invitae). This variant is present in population databases (no rsID available, gnomAD 0.006%). This sequence change replaces valine, which is neutral and non-polar, with isoleucine, which is neutral and non-polar, at codon 27 of the MPDZ protein (p.Val27Ile).